The following is an entry in ClinVar:

ClinVar aggregate classification (germline): Uncertain significance (1 of 4 stars; one submission).

Submission:

CeGaT Center for Human Genetics Tuebingen
Classification: Uncertain significance. Last evaluated: 2025-12-01. Review status: criteria provided, single submitter. Criteria: CeGaT Center For Human Genetics Tuebingen Variant Classification Criteria Version 2. Collection method: clinical testing. Allele origin: germline. Affected: yes. Observed: 1 variant allele.
Comment: CLCN7: PM2, BP4

NM_001287.6(CLCN7):c.2108A>G (p.Gln703Arg)

Gene: CLCN7 (Cl-/H+ antiporter 7; minus strand). Cytogenetic location: 16p13.3.
Variant type: single nucleotide variant.
Coding change: c.2108A>G on transcript NM_001287.6 (MANE Select); coding-DNA position 2108, A replaced by G.
Protein change: p.Gln703Arg; replaces glutamine 703 with arginine.
Molecular consequence: missense variant.
Genome position (GRCh38, 1-based): chr16:1,447,534, T>C on the plus strand (A>G on the coding strand, the complement: CLCN7 is on the minus strand). VCF-style: chr16-1447534-T-C. GRCh37 (hg19) VCF-style: chr16-1497535-T-C.
Other names: c.2036A>G, p.Gln679Arg (NM_001114331.3); short protein forms Q679R, Q703R.
Identifiers: ClinVar variation 4535411 (VCV004535411.6).